The following is an entry in ClinVar:

ClinVar aggregate classification (germline): Conflicting classifications of pathogenicity. Review status: criteria provided, conflicting classifications (1 of 4 stars). 2 submissions from 2 submitters: Likely pathogenic (1); Uncertain significance (1). Last evaluated 2026-01-20.

Conditions:
Recessive dystrophic epidermolysis bullosa (RDEB). Also called: DYSTROPHIC EPIDERMOLYSIS BULLOSA, AUTOSOMAL RECESSIVE; EPIDERMOLYSIS BULLOSA DYSTROPHICA, HALLOPEAU-SIEMENS TYPE; severe generalized recessive dystrophic epidermolysis bullosa; epidermolysis bullosa dystrophica, autosomal recessive; Recessive DEB (RDEB); Hallopeau-Siemens Disease. Identifiers: Orphanet 79408, Orphanet 79409, MedGen C0079474, MONDO:0009179, OMIM 226600.

Submissions (2):

Labcorp Genetics (formerly Invitae), Labcorp
Classification: Uncertain significance. Last evaluated: 2026-01-20. Review status: criteria provided, single submitter. Criteria: Invitae Variant Classification Sherloc (09022015). Collection method: clinical testing. Allele origin: germline.
Comment: This variant, c.5022_5030dup, results in the insertion of 3 amino acid(s) of the COL7A1 protein (p.Gln1675_Asp1677dup), but otherwise preserves the integrity of the reading frame. This variant is present in population databases (rs760558831, gnomAD 0.06%). This variant has not been reported in the literature in individuals affected with COL7A1-related conditions. ClinVar contains an entry for this variant (Variation ID: 2148332). Experimental studies and prediction algorithms are not available or were not evaluated, and the functional significance of this variant is currently unknown. In summary, the available evidence is currently insufficient to determine the role of this variant in disease. Therefore, it has been classified as a Variant of Uncertain Significance.

Genomic Medicine Center of Excellence, King Faisal Specialist Hospital and Research Centre
Classification: Likely pathogenic for Recessive dystrophic epidermolysis bullosa. Last evaluated: 2024-03-29. Review status: criteria provided, single submitter. Criteria: ACMG Guidelines, 2015. Collection method: clinical testing. Allele origin: germline.

NM_000094.4(COL7A1):c.5022_5030dup (p.Asp1677_Pro1678insGlnGlyAsp)

Gene: COL7A1 (collagen type VII alpha 1 chain; minus strand). Cytogenetic location: 3p21.31.
Variant type: Duplication.
Coding change: c.5022_5030dup on transcript NM_000094.4 (MANE Select); coding-DNA positions 5022 to 5030, 9 bases duplicated (CCAGGGAGA; older notation c.5022_5030dupCCAGGGAGA).
Protein change: p.Asp1677_Pro1678insGlnGlyAsp.
Molecular consequence: inframe insertion.
Genome position (GRCh38, 1-based): chr3:48,580,603-48,580,611, TCTCCCTGG duplicated on the plus strand (CCAGGGAGA on the coding strand, the reverse complement: COL7A1 is on the minus strand); duplicating any 9 consecutive bases within chr3:48,580,603-48,580,618 gives the same sequence; the c. name uses the placement nearest the transcript's 3' end. VCF-style (leftmost placement, unchanged base first): chr3-48580602-A-ATCTCCCTGG. GRCh37 (hg19) VCF-style: chr3-48618035-A-ATCTCCCTGG.
Identifiers: ClinVar variation 2148332 (VCV002148332.4), dbSNP rs760558831, ClinGen allele CA2379714.